The following is an entry in ClinVar:

ClinVar aggregate classification (germline): Conflicting classifications of pathogenicity. Review status: criteria provided, conflicting classifications (1 of 4 stars). 16 submissions from 12 submitters: Uncertain significance (3); Benign (4); Likely benign (9). Last evaluated 2026-07-01.

Conditions:
TTN-related disorder. Also called: TTN-related disorders; TTN-related condition; TTN-related disease.
Cardiovascular phenotype. Identifiers: MedGen CN230736.
Autosomal recessive limb-girdle muscular dystrophy type 2J (LGMDR10). Also called: MUSCULAR DYSTROPHY, LIMB-GIRDLE, AUTOSOMAL RECESSIVE 10; Limb-girdle muscular dystrophy, type 2J. Identifiers: Orphanet 140922, MedGen C1837342, MONDO:0012127, OMIM 608807.
Dilated cardiomyopathy 1G (CMD1G). Identifiers: Orphanet 154, MedGen C1858763, MONDO:0011400, OMIM 604145.
Early-onset myopathy with fatal cardiomyopathy (CMYO5). Also called: CONGENITAL MYOPATHY 5 WITH CARDIOMYOPATHY; Salih Myopathy. Identifiers: Orphanet 289377, MedGen C2673677, MONDO:0012714, OMIM 611705. Disease mechanism: loss of function.
Myopathy, myofibrillar, 9, with early respiratory failure (MFM9). Also called: Myopathy, distal, with early respiratory failure, autosomal dominant; Hereditary myopathy with early respiratory failure; EDSTROM MYOPATHY; MYOPATHY, PROXIMAL, WITH EARLY RESPIRATORY MUSCLE INVOLVEMENT. Identifiers: Orphanet 178464, Orphanet 34521, MedGen C1863599, MONDO:0011362, OMIM 603689.
Tibial muscular dystrophy (TMD). Also called: Tibial muscular dystrophy, tardive; Udd Distal Myopathy – Tibial Muscular Dystrophy; UDD MYOPATHY. Identifiers: Orphanet 609, MedGen C1838244, MONDO:0010870, OMIM 600334.

Allele frequency attached by ClinVar (database versions not stated): gnomAD 0.00101 and 0.00110; TOPMed 0.00105; 1000 Genomes Project 30x 0.00047; gnomAD exomes 0.00029 and 0.00009; ExAC 0.00036; 1000 Genomes Project 0.00040; ESP Exome Variant Server 0.00092.
gnomAD v4.1: 293 of 1,613,006 alleles (0.018%); highest among the groups gnomAD compares: African/African-American, 0.34%; no homozygotes.

Submissions (16):

CeGaT Center for Human Genetics Tuebingen
Classification: Likely benign. Last evaluated: 2026-07-01. Review status: criteria provided, single submitter. Criteria: CeGaT Center For Human Genetics Tuebingen Variant Classification Criteria Version 2. Collection method: clinical testing. Allele origin: germline. Affected: yes. Observed: 2 variant alleles.
Comment: TTN: BP4, BS1

Labcorp Genetics (formerly Invitae), Labcorp
Classification: Likely benign for Dilated cardiomyopathy 1G; Autosomal recessive limb-girdle muscular dystrophy type 2J. Last evaluated: 2026-01-19. Review status: criteria provided, single submitter. Criteria: Invitae Variant Classification Sherloc (09022015). Collection method: clinical testing. Allele origin: germline.

PreventionGenetics, part of Exact Sciences
Classification: Likely benign for TTN-related condition. Last evaluated: 2025-04-18. Review status: criteria provided, single submitter. Criteria: ACMG Guidelines, 2015. Collection method: clinical testing. Allele origin: germline.
Comment: This variant is classified as likely benign based on ACMG/AMP sequence variant interpretation guidelines (Richards et al. 2015 PMID: 25741868, with internal and published modifications).

Molecular Diagnostic Laboratory for Inherited Cardiovascular Disease, Montreal Heart Institute
Classification: Benign. Last evaluated: 2025-04-09. Review status: criteria provided, single submitter. Criteria: ACMG Guidelines, 2015. Collection method: clinical testing. Allele origin: germline. Affected: no.

Mayo Clinic Laboratories, Mayo Clinic
Classification: Likely benign. Last evaluated: 2024-07-25. Review status: criteria provided, single submitter. Criteria: ACMG Guidelines, 2015. Collection method: clinical testing. Allele origin: germline. Observed: 3 variant alleles.
Comment: BS1, BP1, BP4

Blueprint Genetics
Classification: Likely benign. Last evaluated: 2024-02-23. Review status: criteria provided, single submitter. Criteria: ACMG Guidelines, 2015. Collection method: clinical testing. Allele origin: germline.

GeneDx
Classification: Likely benign. Last evaluated: 2020-09-28. Review status: criteria provided, single submitter. Criteria: GeneDx Variant Classification Process June 2021. Collection method: clinical testing. Allele origin: germline. Affected: yes.
Comment: This variant is associated with the following publications: (PMID: 24503780)

Women's Health and Genetics/Laboratory Corporation of America, LabCorp
Classification: Benign. Last evaluated: 2020-08-10. Review status: criteria provided, single submitter. Criteria: LabCorp Variant Classification Summary - May 2015. Collection method: clinical testing. Allele origin: germline.
Comment: Variant summary: TTN c.59194G>A (p.Val19732Ile) results in a conservative amino acid change located in the A-band of the encoded protein sequence. Five of five in-silico tools predict a benign effect of the variant on protein function. The variant allele was found at a frequency of 0.00029 in 248154 control chromosomes, predominantly at a frequency of 0.0036 within the African or African-American subpopulation in the gnomAD database. The observed variant frequency within African or African-American control individuals in the gnomAD database is approximately 9 fold of the estimated maximal expected allele frequency for a pathogenic variant in TTN causing Dilated Cardiomyopathy phenotype (0.00039), strongly suggesting that the variant is a benign polymorphism found primarily in populations of African or African-American origin. To our knowledge, no occurrence of c.59194G>A in individuals affected with Dilated Cardiomyopathy and no experimental evidence demonstrating its impact on protein function have been reported. Seven clinical diagnostic laboratories have submitted clinical-significance assessments for this variant to ClinVar after 2014 without evidence for independent evaluation (benign/likely benign n=6, VUS n=1). Based on the evidence outlined above, the variant was classified as benign.

Ambry Genetics
Classification: Likely benign for Cardiovascular phenotype. Last evaluated: 2019-03-29. Review status: criteria provided, single submitter. Criteria: Ambry Variant Classification Scheme 2023. Collection method: clinical testing. Allele origin: germline.

Illumina Laboratory Services, Illumina
Classification: Uncertain significance for Dilated cardiomyopathy 1G. Last evaluated: 2018-01-13. Review status: criteria provided, single submitter. Criteria: ICSL Variant Classification Criteria 13 December 2019. Collection method: clinical testing. Allele origin: germline.

Illumina Laboratory Services, Illumina
Classification: Uncertain significance for Autosomal recessive limb-girdle muscular dystrophy type 2J. Last evaluated: 2018-01-13. Review status: criteria provided, single submitter. Criteria: ICSL Variant Classification Criteria 13 December 2019. Collection method: clinical testing. Allele origin: germline.

Illumina Laboratory Services, Illumina
Classification: Uncertain significance for Early-onset myopathy with fatal cardiomyopathy. Last evaluated: 2018-01-13. Review status: criteria provided, single submitter. Criteria: ICSL Variant Classification Criteria 13 December 2019. Collection method: clinical testing. Allele origin: germline.

Illumina Laboratory Services, Illumina
Classification: Benign for Myopathy, myofibrillar, 9, with early respiratory failure. Last evaluated: 2018-01-13. Review status: criteria provided, single submitter. Criteria: ICSL Variant Classification Criteria 13 December 2019. Collection method: clinical testing. Allele origin: germline.
Comment: This variant was observed in the ICSL laboratory as part of a predisposition screen in an ostensibly healthy population. It had not been previously curated by ICSL or reported in the Human Gene Mutation Database (HGMD: prior to June 1st, 2018), and was therefore a candidate for classification through an automated scoring system. Utilizing variant allele frequency, disease prevalence and penetrance estimates, and inheritance mode, an automated score was calculated to assess if this variant is too frequent to cause the disease. Based on the score and internal cut-off values, a variant classified as benign is not then subjected to further curation. The score for this variant resulted in a classification of benign for this disease.

Illumina Laboratory Services, Illumina
Classification: Benign for Tibial muscular dystrophy. Last evaluated: 2018-01-13. Review status: criteria provided, single submitter. Criteria: ICSL Variant Classification Criteria 13 December 2019. Collection method: clinical testing. Allele origin: germline.
Comment: the same text as in the submission from Illumina Laboratory Services, Illumina above.

Eurofins Ntd Llc (ga)
Classification: Likely benign. Last evaluated: 2016-08-25. Review status: criteria provided, single submitter. Criteria: EGL Classification Definitions 2015. Collection method: clinical testing. Allele origin: germline. Observed: 2 variant alleles, 1 heterozygote.

Laboratory for Molecular Medicine, Mass General Brigham Personalized Medicine
Classification: Likely benign. Last evaluated: 2016-06-10. Review status: criteria provided, single submitter. Criteria: LMM Criteria. Collection method: clinical testing. Allele origin: germline. Observed: 2 variant alleles.
Comment: However, this variant is not exp ected to have clinical significance because it has been identified in 0.37% (36/ 9778) of African chromosomes by the Exome Aggregation Consortium (ExAC; dbSNP rs200343420).

NM_001267550.2(TTN):c.66898G>A (p.Val22300Ile)

Genes: TTN (titin; minus strand), TTN-AS1 (TTN antisense RNA 1; plus strand). Cytogenetic location: 2q31.2.
Variant type: single nucleotide variant.
Coding change: c.66898G>A on transcript NM_001267550.2 (MANE Select); coding-DNA position 66898, G replaced by A.
Protein change: p.Val22300Ile; replaces valine 22300 with isoleucine.
Molecular consequence: missense variant.
Genome position (GRCh38, 1-based): chr2:178,580,481, C>T on the plus strand (G>A on the coding strand, the complement: TTN is on the minus strand). VCF-style: chr2-178580481-C-T. GRCh37 (hg19) VCF-style: chr2-179445208-C-T.
Other names: p.Val20659Ile; c.61975G>A, p.Val20659Ile (NM_001256850.1); c.39703G>A, p.Val13235Ile (NM_003319.4); c.59194G>A, p.Val19732Ile (NM_133378.4); c.40078G>A, p.Val13360Ile (NM_133432.3); c.40279G>A, p.Val13427Ile (NM_133437.4); short protein forms V22300I, V19732I, V20659I, V13235I, V13360I, V13427I.
Identifiers: ClinVar variation 47243 (VCV000047243.57), dbSNP rs200343420, ClinGen allele CA140433.